The following is an entry in ClinVar:

ClinVar aggregate classification (germline): Uncertain significance (1 of 4 stars; one submission).

Submission:

Labcorp Genetics (formerly Invitae), Labcorp
Classification: Uncertain significance. Last evaluated: 2021-05-19. Review status: criteria provided, single submitter. Criteria: Invitae Variant Classification Sherloc (09022015). Collection method: clinical testing. Allele origin: germline.
Comment: Algorithms developed to predict the effect of sequence changes on RNA splicing suggest that this variant may disrupt the consensus splice site, but this prediction has not been confirmed by published transcriptional studies. This variant, c.100_102del, results in the deletion of 1 amino acid(s) of the PPP2CA protein (p.Lys34del), but otherwise preserves the integrity of the reading frame. This variant is not present in population databases (ExAC no frequency). This variant has been observed in individual(s) with clinical features of PPP2CA-related conditions (Invitae). Experimental studies and prediction algorithms are not available or were not evaluated, and the functional significance of this variant is currently unknown. In summary, the available evidence is currently insufficient to determine the role of this variant in disease. Therefore, it has been classified as a Variant of Uncertain Significance.

NM_002715.4(PPP2CA):c.100_102del (p.Lys34del)

Genes: MIR3661 (microRNA 3661; plus strand), PPP2CA (protein phosphatase 2 catalytic subunit alpha; minus strand). Cytogenetic location: 5q31.1.
Variant type: Deletion.
Coding change: c.100_102del on transcript NM_002715.4 (MANE Select); coding-DNA positions 100 to 102, 3 bases deleted (AAG; older notation c.100_102delAAG).
Protein change: p.Lys34del; deletes lysine 34.
Molecular consequence: inframe deletion. On other transcripts: non-coding transcript variant (1).
Genome position (GRCh38, 1-based): chr5:134,225,760-134,225,762, CTT deleted on the plus strand (AAG on the coding strand, the reverse complement: PPP2CA is on the minus strand); deleting any 3 consecutive bases within chr5:134,225,760-134,225,764 gives the same sequence; the c. name uses the placement nearest the transcript's 3' end. VCF-style (leftmost placement, unchanged base first): chr5-134225759-CCTT-C. GRCh37 (hg19) VCF-style: chr5-133561450-CCTT-C.
Other names: short protein forms K34del.
Identifiers: ClinVar variation 1477226 (VCV001477226.8), dbSNP rs2149390312, ClinGen allele CA2573139029.
Genomic context (GRCh38, chr5:134,225,759, plus strand): 5'-CCGCCTTTTCCTCGGCGGGCTCGGCCCCGCGGCGGCTGTCCGCAGCCGTACTACAGCTCA[CCTT>C]CTCGCAGAGGCTCTTGACCTGGGACTCGGACAGCTGCTTGCACTCGTTCAGCTGCTCGAT-3'